The following is an entry in ClinVar:

ClinVar aggregate classification (germline): Uncertain significance (1 of 4 stars; one submission).

Conditions:
Colorectal cancer, hereditary nonpolyposis, type 7. Identifiers: Orphanet 144, MedGen C1858380, MONDO:0013725, OMIM 614385.

Submission:

Labcorp Genetics (formerly Invitae), Labcorp
Classification: Uncertain significance for Colorectal cancer, hereditary nonpolyposis, type 7. Last evaluated: 2019-02-03. Review status: criteria provided, single submitter. Criteria: Invitae Variant Classification Sherloc (09022015). Collection method: clinical testing. Allele origin: germline.
Comment: In summary, the available evidence is currently insufficient to determine the role of this variant in disease. Therefore, it has been classified as a Variant of Uncertain Significance. Algorithms developed to predict the effect of missense changes on protein structure and function (SIFT, PolyPhen-2, Align-GVGD) all suggest that this variant is likely to be tolerated, but these predictions have not been confirmed by published functional studies and their clinical significance is uncertain. This variant has not been reported in the literature in individuals with MLH3-related conditions. This variant is not present in population databases (ExAC no frequency). This sequence change replaces phenylalanine with leucine at codon 187 of the MLH3 protein (p.Phe187Leu). The phenylalanine residue is moderately conserved and there is a small physicochemical difference between phenylalanine and leucine.

NM_001040108.2(MLH3):c.561C>G (p.Phe187Leu)

Gene: MLH3 (mutL homolog 3; minus strand). Cytogenetic location: 14q24.3.
Variant type: single nucleotide variant.
Coding change: c.561C>G on transcript NM_001040108.2 (MANE Select); coding-DNA position 561, C replaced by G.
Protein change: p.Phe187Leu; replaces phenylalanine 187 with leucine.
Molecular consequence: missense variant.
Genome position (GRCh38, 1-based): chr14:75,049,095, G>C on the plus strand (C>G on the coding strand, the complement: MLH3 is on the minus strand). VCF-style: chr14-75049095-G-C. GRCh37 (hg19) VCF-style: chr14-75515798-G-C.
Other names: c.561C>G, p.Phe187Leu (NM_014381.3); short protein forms F187L.
Identifiers: ClinVar variation 840955 (VCV000840955.9), dbSNP rs1892481050, ClinGen allele CA390449889.